The following is an entry in ClinVar:

ClinVar aggregate classification (germline): Uncertain significance (1 of 4 stars; one submission).

Conditions:
Hereditary cancer-predisposing syndrome. Also called: Neoplastic Syndromes, Hereditary; Tumor predisposition; Hereditary Cancer Syndrome; Hereditary neoplastic syndrome. Identifiers: Orphanet 140162, MedGen C0027672, MeSH D009386, MONDO:0015356.

Submission:

Ambry Genetics
Classification: Uncertain significance for Hereditary cancer-predisposing syndrome. Last evaluated: 2024-08-05. Review status: criteria provided, single submitter. Criteria: Ambry Variant Classification Scheme 2023. Collection method: clinical testing. Allele origin: germline.
Comment: The p.E906G variant (also known as c.2717A>G), located in coding exon 18 of the BRIP1 gene, results from an A to G substitution at nucleotide position 2717. The glutamic acid at codon 906 is replaced by glycine, an amino acid with similar properties. This amino acid position is not well conserved in available vertebrate species. In addition, this alteration is predicted to be tolerated by in silico analysis. Since supporting evidence is limited at this time, the clinical significance of this alteration remains unclear.

NM_032043.3(BRIP1):c.2717A>G (p.Glu906Gly)

Gene: BRIP1 (BRCA1 interacting DNA helicase 1; minus strand). Cytogenetic location: 17q23.2.
Variant type: single nucleotide variant.
Coding change: c.2717A>G on transcript NM_032043.3 (MANE Select); coding-DNA position 2717, A replaced by G.
Protein change: p.Glu906Gly; replaces glutamic acid 906 with glycine.
Molecular consequence: missense variant.
Genome position (GRCh38, 1-based): chr17:61,686,024, T>C on the plus strand (A>G on the coding strand, the complement: BRIP1 is on the minus strand). VCF-style: chr17-61686024-T-C. GRCh37 (hg19) VCF-style: chr17-59763385-T-C.
Other names: short protein forms E906G.
Identifiers: ClinVar variation 232292 (VCV000232292.6), dbSNP rs876659677, ClinGen allele CA10580791.